The following is an entry in ClinVar:

ClinVar aggregate classification (germline): Uncertain significance. Review status: criteria provided, multiple submitters, no conflicts (2 of 4 stars). 2 submissions from 2 submitters: Uncertain significance (2). Last evaluated 2024-07-02.

Conditions:
Familial hemiplegic migraine. Identifiers: MedGen C0338484, MONDO:0000700.

Submissions (2):

GeneDx
Classification: Uncertain significance. Last evaluated: 2024-07-02. Review status: criteria provided, single submitter. Criteria: GeneDx Variant Classification Process June 2021. Collection method: clinical testing. Allele origin: germline. Affected: yes.
Comment: Not observed at significant frequency in large population cohorts (gnomAD); In silico analysis supports that this missense variant has a deleterious effect on protein structure/function; Has not been previously published as pathogenic or benign to our knowledge; This variant is associated with the following publications: (PMID: 23821026, 18056581, 25948653)

Labcorp Genetics (formerly Invitae), Labcorp
Classification: Uncertain significance for Familial hemiplegic migraine. Last evaluated: 2023-11-24. Review status: criteria provided, single submitter. Criteria: Invitae Variant Classification Sherloc (09022015). Collection method: clinical testing. Allele origin: germline.
Comment: This sequence change replaces arginine, which is basic and polar, with tryptophan, which is neutral and slightly polar, at codon 908 of the ATP1A2 protein (p.Arg908Trp). This variant is not present in population databases (gnomAD no frequency). This variant has not been reported in the literature in individuals affected with ATP1A2-related conditions. ClinVar contains an entry for this variant (Variation ID: 380423). Advanced modeling of protein sequence and biophysical properties (such as structural, functional, and spatial information, amino acid conservation, physicochemical variation, residue mobility, and thermodynamic stability) has been performed at Invitae for this missense variant, however the output from this modeling did not meet the statistical confidence thresholds required to predict the impact of this variant on ATP1A2 protein function. This variant disrupts the p.Arg908 amino acid residue in ATP1A2. Other variant(s) that disrupt this residue have been determined to be pathogenic (PMID: 18056581, 23821026, 25948653). This suggests that this residue is clinically significant, and that variants that disrupt this residue are likely to be disease-causing. In summary, the available evidence is currently insufficient to determine the role of this variant in disease. Therefore, it has been classified as a Variant of Uncertain Significance.

Literature cited by the submitters: PubMed 18056581 (cited by Labcorp Genetics (formerly Invitae), Labcorp); PubMed 23821026 (cited by Labcorp Genetics (formerly Invitae), Labcorp); PubMed 25948653 (cited by Labcorp Genetics (formerly Invitae), Labcorp).

NM_000702.4(ATP1A2):c.2722C>T (p.Arg908Trp)

Gene: ATP1A2 (ATPase Na+/K+ transporting subunit alpha 2; plus strand). Cytogenetic location: 1q23.2.
Variant type: single nucleotide variant.
Coding change: c.2722C>T on transcript NM_000702.4 (MANE Select); coding-DNA position 2722, C replaced by T.
Protein change: p.Arg908Trp; replaces arginine 908 with tryptophan.
Molecular consequence: missense variant.
Genome position (GRCh38, 1-based): chr1:160,136,913, C>T. VCF-style: chr1-160136913-C-T. GRCh37 (hg19) VCF-style: chr1-160106703-C-T.
Other names: short protein forms R908W.
Identifiers: ClinVar variation 380423 (VCV000380423.6), dbSNP rs758772895, ClinGen allele CA16603447.
Genomic context (GRCh38, chr1:160,136,913, plus strand): 5'-ACCCTTTCCTCCGACACTCTCATCTGTCTCTGCCCACCCTCCCTCCAGACCTATGAGCAG[C>T]GGAAGGTGGTGGAGTTCACGTGCCACACGGCATTCTTTGCCAGCATCGTGGTGGTGCAGT-3'
Protein context (NP_000693.1, residues 898-918): SYGQEWTYEQ[Arg908Trp]KVVEFTCHTA